The following is an entry in ClinVar:

ClinVar aggregate classification (germline): Uncertain significance (1 of 4 stars; one submission).

Conditions:
Neurofibromatosis, type 1 (NF1). Also called: VON RECKLINGHAUSEN DISEASE; Neurofibromatosis, type I; Peripheral type neurofibromatosis; NEUROFIBROMATOSIS, TYPE I, SOMATIC. Identifiers: Orphanet 636, MedGen C0027831, MONDO:0018975, OMIM 162200. Disease mechanism: loss of function.

Submission:

Labcorp Genetics (formerly Invitae), Labcorp
Classification: Uncertain significance for Neurofibromatosis, type 1. Last evaluated: 2021-09-16. Review status: criteria provided, single submitter. Criteria: Invitae Variant Classification Sherloc (09022015). Collection method: clinical testing. Allele origin: germline.
Comment: In summary, the available evidence is currently insufficient to determine the role of this variant in disease. Therefore, it has been classified as a Variant of Uncertain Significance. Advanced modeling of protein sequence and biophysical properties (such as structural, functional, and spatial information, amino acid conservation, physicochemical variation, residue mobility, and thermodynamic stability) performed at Invitae indicates that this missense variant is not expected to disrupt NF1 protein function. This variant has not been reported in the literature in individuals affected with NF1-related conditions. This variant is not present in population databases (ExAC no frequency). This sequence change replaces proline with serine at codon 2335 of the NF1 protein (p.Pro2335Ser). The proline residue is moderately conserved and there is a moderate physicochemical difference between proline and serine.

NM_001042492.3(NF1):c.7066C>T (p.Pro2356Ser)

Gene: NF1 (neurofibromin 1; plus strand). Cytogenetic location: 17q11.2.
Variant type: single nucleotide variant.
Coding change: c.7066C>T on transcript NM_001042492.3 (MANE Select); coding-DNA position 7066, C replaced by T.
Protein change: p.Pro2356Ser; replaces proline 2356 with serine.
Molecular consequence: missense variant.
Genome position (GRCh38, 1-based): chr17:31,343,012, C>T. VCF-style: chr17-31343012-C-T. GRCh37 (hg19) VCF-style: chr17-29670030-C-T.
Other names: c.7003C>T, p.Pro2335Ser (NM_000267.4); short protein forms P2335S, P2356S.
Identifiers: ClinVar variation 1520435 (VCV001520435.6), dbSNP rs2151564948, ClinGen allele CA399015509.
Genomic context (GRCh38, chr17:31,343,012, plus strand): 5'-CTTTAAAGAAAGCTACTGTGTGAACCTCATCAACCATCTCATGATTATCTTTAATAGAGT[C>T]CAGAGGAAGTATTTATGGCAATCCGGAATCCTCTGGAGTGGCACTGCAAGCAAATGGATC-3'
Protein context (NP_001035957.1, residues 2346-2366): DSLRIFNDKS[Pro2356Ser]EEVFMAIRNP